The following is an entry in ClinVar:

ClinVar aggregate classification (germline): Uncertain significance (1 of 4 stars; one submission).

Allele frequency attached by ClinVar (database versions not stated): gnomAD exomes below 0.00001; TOPMed 0.00001.
gnomAD v4.1: 1 of 1,613,130 alleles (0.000062%); highest among the groups gnomAD compares: Non-Finnish European, 0.000085%; no homozygotes.

Submission:

GeneDx
Classification: Uncertain significance. Last evaluated: 2014-10-10. Review status: criteria provided, single submitter. Criteria: GeneDx Variant Classification (06012015). Collection method: clinical testing. Allele origin: germline. Affected: yes.
Comment: Missense variants in the TTN gene are considered 'unclassified' if they are not previously reported in the literature and do not have >1% frequency in the population to be considered a polymorphism. Research indicates that truncating mutations in the TTN gene are expected to account for approximately 25% of familial and 18% of sporadic idiopathic DCM; however, truncating variants in the TTN gene have been reported in approximately 3% of reported control alleles. There has been little investigation into non-truncating variants. (Herman D et al. Truncations of titin causing dilated cardiomyopathy. N Eng J Med 366:619-628, 2012) The variant is found in CARDIOMYOPATHY panel(s).

NM_133379.5(TTN):c.14008G>A (p.Val4670Ile)

Genes: TTN (titin; minus strand), LOC126806432 (CDK7 strongly-dependent group 2 enhancer GRCh37_chr2:179611985-179613184; plus strand). Cytogenetic location: 2q31.2.
Variant type: single nucleotide variant.
Coding change: c.14008G>A on transcript NM_133379.5; coding-DNA position 14008, G replaced by A.
Protein change: p.Val4670Ile; replaces valine 4670 with isoleucine.
Molecular consequence: missense variant. On other transcripts: intron variant (6).
Genome position (GRCh38, 1-based): chr2:178,748,392, C>T on the plus strand (G>A on the coding strand, the complement: TTN is on the minus strand). VCF-style: chr2-178748392-C-T. GRCh37 (hg19) VCF-style: chr2-179613119-C-T.
Other names: p.V4670I:GTA>ATA; c.10222+4732G>A (NM_003319.4); c.10798+4732G>A (NM_133437.4); c.10597+4732G>A (NM_133432.3); c.10360+4732G>A (NM_133378.4, NM_001256850.1); c.11311+4732G>A (NM_001267550.2); short protein forms V4670I.
Identifiers: ClinVar variation 203202 (VCV000203202.2), dbSNP rs794729595, ClinGen allele CA311665.
Genomic context (GRCh38, chr2:178,748,392, plus strand): 5'-TCTCCACCATAGTTCTATTTGAAAGCTCTTGACTGGAAGAAATTTCTTGACTGGCAAATA[C>T]ATTATTTTGCACACTTTTAGAGATATTGTGTGTGTCAGGTTGTAACGTTTCAGGGCTAGG-3'